The following is an entry in ClinVar:

ClinVar aggregate classification (germline): Uncertain significance (1 of 4 stars; one submission).

Allele frequency attached by ClinVar (database versions not stated): gnomAD exomes below 0.00001; ExAC 0.00001; gnomAD 0.00001.
gnomAD v4.1: 2 of 1,613,978 alleles (0.00012%); highest among the groups gnomAD compares: African/African-American, 0.0027%; no homozygotes.

Submission:

Labcorp Genetics (formerly Invitae), Labcorp
Classification: Uncertain significance. Last evaluated: 2022-06-27. Review status: criteria provided, single submitter. Criteria: Invitae Variant Classification Sherloc (09022015). Collection method: clinical testing. Allele origin: germline.
Comment: In summary, the available evidence is currently insufficient to determine the role of this variant in disease. Therefore, it has been classified as a Variant of Uncertain Significance. Algorithms developed to predict the effect of missense changes on protein structure and function are either unavailable or do not agree on the potential impact of this missense change (SIFT: "Deleterious"; PolyPhen-2: "Probably Damaging"; Align-GVGD: "Class C15"). This variant has not been reported in the literature in individuals affected with EFL1-related conditions. This variant is present in population databases (rs757324026, gnomAD 0.007%). This sequence change replaces serine, which is neutral and polar, with phenylalanine, which is neutral and non-polar, at codon 595 of the EFL1 protein (p.Ser595Phe).

NM_024580.6(EFL1):c.1784C>T (p.Ser595Phe)

Gene: EFL1 (elongation factor like GTPase 1; minus strand). Cytogenetic location: 15q25.2.
Variant type: single nucleotide variant.
Coding change: c.1784C>T on transcript NM_024580.6 (MANE Select); coding-DNA position 1784, C replaced by T.
Protein change: p.Ser595Phe; replaces serine 595 with phenylalanine.
Molecular consequence: missense variant. On other transcripts: non-coding transcript variant (1).
Genome position (GRCh38, 1-based): chr15:82,163,951, G>A on the plus strand (C>T on the coding strand, the complement: EFL1 is on the minus strand). VCF-style: chr15-82163951-G-A. GRCh37 (hg19) VCF-style: chr15-82456292-G-A.
Other names: c.1631C>T, p.Ser544Phe (NM_001040610.3); c.995C>T, p.Ser332Phe (NM_001322844.2); c.1784C>T, p.Ser595Phe (NM_001322845.2); short protein forms S332F, S595F, S544F.
Identifiers: ClinVar variation 1448502 (VCV001448502.6), dbSNP rs757324026, ClinGen allele CA7697876.